The following is an entry in ClinVar:

ClinVar aggregate classification (germline): Pathogenic/Likely pathogenic. Review status: criteria provided, multiple submitters, no conflicts (2 of 4 stars). 4 submissions from 4 submitters: Pathogenic (2); Likely pathogenic (1). 1 of the submissions does not count toward it. Last evaluated 2025-10-14.

Conditions:
Combined immunodeficiency and megaloblastic anemia with or without hyperhomocysteinemia. Also called: COMBINED IMMUNODEFICIENCY AND MEGALOBLASTIC ANEMIA; METHYLENETETRAHYDROFOLATE DEHYDROGENASE 1 DEFICIENCY. Identifiers: Orphanet 658813, MedGen C4540434, MONDO:0060611, OMIM 617780.
Neural tube defects, folate-sensitive (NTDFS). Also called: NTD, FOLATE-SENSITIVE. Identifiers: Orphanet 823, MedGen C1866558, MONDO:0011120, OMIM 601634.

Allele frequency attached by ClinVar (database versions not stated): ExAC 0.00001; gnomAD 0.00001; gnomAD exomes 0.00001 and 0.00002; TOPMed 0.00001.
gnomAD v4.1: 17 of 1,607,130 alleles (0.0011%); highest among the groups gnomAD compares: Non-Finnish European, 0.00017%; no homozygotes.

Submissions (4):

Labcorp Genetics (formerly Invitae), Labcorp
Classification: Pathogenic. Last evaluated: 2025-10-14. Review status: criteria provided, single submitter. Criteria: Invitae Variant Classification Sherloc (09022015). Collection method: clinical testing. Allele origin: germline.
Comment: This sequence change affects a donor splice site in intron 8 of the MTHFD1 gene. It is expected to disrupt RNA splicing. Variants that disrupt the donor or acceptor splice site typically lead to a loss of protein function (PMID: 16199547), and loss-of-function variants in MTHFD1 are known to be pathogenic (PMID: 21813566, 25633902). This variant is present in population databases (rs781065280, gnomAD 0.04%). Disruption of this splice site has been observed in individual(s) with clinical features of methylenetetrahydrofolate dehydrogenase 1 deficiency (PMID: 21813566, 23296427, 37690615). In at least one individual the data is consistent with being in trans (on the opposite chromosome) from a pathogenic variant. ClinVar contains an entry for this variant (Variation ID: 446302). Algorithms developed to predict the effect of sequence changes on RNA splicing suggest that this variant may disrupt the consensus splice site. For these reasons, this variant has been classified as Pathogenic.

Revvity Omics, Revvity
Classification: Pathogenic for Combined immunodeficiency and megaloblastic anemia with or without hyperhomocysteinemia. Last evaluated: 2025-04-17. Review status: criteria provided, single submitter. Criteria: ACMG Guidelines, 2015. Collection method: clinical testing. Allele origin: germline.

Fulgent Genetics
Classification: Likely pathogenic for Neural tube defects, folate-sensitive; Combined immunodeficiency and megaloblastic anemia with or without hyperhomocysteinemia. Last evaluated: 2024-03-28. Review status: criteria provided, single submitter. Criteria: ACMG Guidelines, 2015. Collection method: clinical testing. Allele origin: germline.

OMIM
Classification: Pathogenic for COMBINED IMMUNODEFICIENCY AND MEGALOBLASTIC ANEMIA WITH HYPERHOMOCYSTEINEMIA. Last evaluated: 2017-11-21. Review status: no assertion criteria provided. Collection method: literature only. Allele origin: germline. Not counted in ClinVar's aggregate classification.

Literature cited by the submitters: PubMed 16199547 (cited by Labcorp Genetics (formerly Invitae), Labcorp); PubMed 21813566 (cited by Labcorp Genetics (formerly Invitae), Labcorp and OMIM); PubMed 25633902 (cited by Labcorp Genetics (formerly Invitae), Labcorp); PubMed 23296427 (cited by Labcorp Genetics (formerly Invitae), Labcorp); PubMed 37690615 (cited by Labcorp Genetics (formerly Invitae), Labcorp); PubMed 11004530 (cited by OMIM); Hamosh, A. Personal Communication. 2017. Baltimore, Md. (cited by OMIM).

NM_005956.4(MTHFD1):c.727+1G>A

Gene: MTHFD1 (methylenetetrahydrofolate dehydrogenase, cyclohydrolase and formyltetrahydrofolate synthetase 1; plus strand). Cytogenetic location: 14q23.3.
Variant type: single nucleotide variant.
Coding change: c.727+1G>A on transcript NM_005956.4 (MANE Select); the canonical splice donor site of the intron after coding-DNA position 727, G replaced by A.
Molecular consequence: splice donor variant.
Genome position (GRCh38, 1-based): chr14:64,419,926, G>A. VCF-style: chr14-64419926-G-A. GRCh37 (hg19) VCF-style: chr14-64886644-G-A.
Other names: IVS8, G-A, +1; c.727+1G>A (NM_001364837.1).
Identifiers: ClinVar variation 446302 (VCV000446302.8), dbSNP rs781065280, ClinGen allele CA7226018.